The following is an entry in ClinVar:

ClinVar aggregate classification (germline): Uncertain significance. Review status: criteria provided, multiple submitters, no conflicts (2 of 4 stars). 2 submissions from 2 submitters: Uncertain significance (2). Last evaluated 2025-08-13.

Allele frequency attached by ClinVar (database versions not stated): ExAC 0.00003; gnomAD 0.00023; 1000 Genomes Project 30x 0.00047; 1000 Genomes Project 0.00060; TOPMed 0.00063.
gnomAD v4.1: 66 of 1,614,090 alleles (0.0041%); highest among the groups gnomAD compares: Admixed American, 0.073%; no homozygotes.

Submissions (2):

Ambry Genetics
Classification: Uncertain significance. Last evaluated: 2025-08-13. Review status: criteria provided, single submitter. Criteria: Ambry Variant Classification Scheme 2023. Collection method: clinical testing. Allele origin: germline.

Labcorp Genetics (formerly Invitae), Labcorp
Classification: Uncertain significance. Last evaluated: 2024-02-14. Review status: criteria provided, single submitter. Criteria: Invitae Variant Classification Sherloc (09022015). Collection method: clinical testing. Allele origin: germline.
Comment: This sequence change replaces valine, which is neutral and non-polar, with methionine, which is neutral and non-polar, at codon 12 of the ATP4A protein (p.Val12Met). This variant is present in population databases (rs201056106, gnomAD 0.01%). This variant has not been reported in the literature in individuals affected with ATP4A-related conditions. An algorithm developed to predict the effect of missense changes on protein structure and function (PolyPhen-2) suggests that this variant is likely to be disruptive. In summary, the available evidence is currently insufficient to determine the role of this variant in disease. Therefore, it has been classified as a Variant of Uncertain Significance.

NM_000704.3(ATP4A):c.34G>A (p.Val12Met)

Gene: ATP4A (ATPase H+/K+ transporting subunit alpha; minus strand). Cytogenetic location: 19q13.12.
Variant type: single nucleotide variant.
Coding change: c.34G>A on transcript NM_000704.3 (MANE Select); coding-DNA position 34, G replaced by A.
Protein change: p.Val12Met; replaces valine 12 with methionine.
Molecular consequence: missense variant.
Genome position (GRCh38, 1-based): chr19:35,563,506, C>T on the plus strand (G>A on the coding strand, the complement: ATP4A is on the minus strand). VCF-style: chr19-35563506-C-T. GRCh37 (hg19) VCF-style: chr19-36054408-C-T.
Other names: c.34G>A (NM_000704.2); short protein forms V12M.
Identifiers: ClinVar variation 2704351 (VCV002704351.4), dbSNP rs201056106, ClinGen allele CA9381559.